The following is an entry in ClinVar:

ClinVar aggregate classification (germline): Uncertain significance. Review status: criteria provided, single submitter (1 of 4 stars). 2 submissions from 2 submitters: Uncertain significance (1). 1 of the submissions does not count toward it. Last evaluated 2017-11-13.

Conditions:
TTN-related disorder. Also called: TTN-related disorders; TTN-related condition; TTN-related disease.
Autosomal recessive limb-girdle muscular dystrophy type 2J (LGMDR10). Also called: Limb-girdle muscular dystrophy, type 2J; MUSCULAR DYSTROPHY, LIMB-GIRDLE, AUTOSOMAL RECESSIVE 10. Identifiers: Orphanet 140922, MedGen C1837342, MONDO:0012127, OMIM 608807.
Dilated cardiomyopathy 1G (CMD1G). Identifiers: Orphanet 154, MedGen C1858763, MONDO:0011400, OMIM 604145.

gnomAD v4.1: 3 of 1,613,156 alleles (0.00019%); highest among the groups gnomAD compares: Middle Eastern, 0.033%; no homozygotes.

Submissions (2):

Labcorp Genetics (formerly Invitae), Labcorp
Classification: Uncertain significance for Dilated cardiomyopathy 1G; Autosomal recessive limb-girdle muscular dystrophy type 2J. Last evaluated: 2017-11-13. Review status: criteria provided, single submitter. Criteria: Invitae Variant Classification Sherloc (09022015). Collection method: clinical testing. Allele origin: germline.

PreventionGenetics, part of Exact Sciences
Classification: Uncertain significance for TTN-related condition. Last evaluated: 2024-03-29. Review status: no assertion criteria provided. Collection method: clinical testing. Allele origin: germline. Not counted in ClinVar's aggregate classification.
Comment: The TTN c.65048C>A variant is predicted to result in the amino acid substitution p.Pro21683Gln. To our knowledge, this variant has not been reported in the literature or in a large population database, indicating this variant is rare. At this time, the clinical significance of this variant is uncertain due to the absence of conclusive functional and genetic evidence.

NM_001267550.2(TTN):c.65048C>A (p.Pro21683Gln)

Genes: TTN (titin; minus strand), TTN-AS1 (TTN antisense RNA 1; plus strand). Cytogenetic location: 2q31.2.
Variant type: single nucleotide variant.
Coding change: c.65048C>A on transcript NM_001267550.2 (MANE Select); coding-DNA position 65048, C replaced by A.
Protein change: p.Pro21683Gln; replaces proline 21683 with glutamine.
Molecular consequence: missense variant.
Genome position (GRCh38, 1-based): chr2:178,584,503, G>T on the plus strand (C>A on the coding strand, the complement: TTN is on the minus strand). VCF-style: chr2-178584503-G-T. GRCh37 (hg19) VCF-style: chr2-179449230-G-T.
Other names: c.60125C>A, p.Pro20042Gln (NM_001256850.1); c.37853C>A, p.Pro12618Gln (NM_003319.4); c.57344C>A, p.Pro19115Gln (NM_133378.4); c.38228C>A, p.Pro12743Gln (NM_133432.3); c.38429C>A, p.Pro12810Gln (NM_133437.4); short protein forms P21683Q, P12743Q, P12810Q, P12618Q, P19115Q, P20042Q.
Identifiers: ClinVar variation 535164 (VCV000535164.4), dbSNP rs1328998714, ClinGen allele CA349435568.